The following is an entry in ClinVar:

ClinVar aggregate classification (germline): Uncertain significance. Review status: criteria provided, multiple submitters, no conflicts (2 of 4 stars). 2 submissions from 2 submitters: Uncertain significance (2). Last evaluated 2022-04-21.

Conditions:
Hereditary cancer-predisposing syndrome. Also called: Hereditary neoplastic syndrome; Neoplastic Syndromes, Hereditary; Tumor predisposition; Hereditary Cancer Syndrome. Identifiers: Orphanet 140162, MedGen C0027672, MeSH D009386, MONDO:0015356.
Familial cancer of breast. Also called: hereditary breast carcinoma; BREAST CANCER, FAMILIAL; Hereditary breast cancer. Identifiers: Orphanet 227535, MedGen C0346153, MONDO:0016419, OMIM 114480. Disease mechanism: loss of function.

Submissions (2):

Ambry Genetics
Classification: Uncertain significance for Hereditary cancer-predisposing syndrome. Last evaluated: 2022-04-21. Review status: criteria provided, single submitter. Criteria: Ambry Variant Classification Scheme 2023. Collection method: clinical testing. Allele origin: germline.
Comment: The p.E462G variant (also known as c.1385A>G), located in coding exon 4 of the PALB2 gene, results from an A to G substitution at nucleotide position 1385. The glutamic acid at codon 462 is replaced by glycine, an amino acid with similar properties. This amino acid position is conserved. In addition, this alteration is predicted to be tolerated by in silico analysis. Since supporting evidence is limited at this time, the clinical significance of this alteration remains unclear.

Labcorp Genetics (formerly Invitae), Labcorp
Classification: Uncertain significance for Familial cancer of breast. Last evaluated: 2019-03-11. Review status: criteria provided, single submitter. Criteria: Invitae Variant Classification Sherloc (09022015). Collection method: clinical testing. Allele origin: germline.
Comment: Algorithms developed to predict the effect of missense changes on protein structure and function (SIFT, PolyPhen-2, Align-GVGD) all suggest that this variant is likely to be tolerated, but these predictions have not been confirmed by published functional studies and their clinical significance is uncertain. In summary, the available evidence is currently insufficient to determine the role of this variant in disease. Therefore, it has been classified as a Variant of Uncertain Significance. This variant has not been reported in the literature in individuals with PALB2-related conditions. This variant is not present in population databases (ExAC no frequency). This sequence change replaces glutamic acid with glycine at codon 462 of the PALB2 protein (p.Glu462Gly). The glutamic acid residue is moderately conserved and there is a moderate physicochemical difference between glutamic acid and glycine.

NM_024675.4(PALB2):c.1385A>G (p.Glu462Gly)

Gene: PALB2 (partner and localizer of BRCA2; minus strand). Cytogenetic location: 16p12.2.
Variant type: single nucleotide variant.
Coding change: c.1385A>G on transcript NM_024675.4 (MANE Select); coding-DNA position 1385, A replaced by G.
Protein change: p.Glu462Gly; replaces glutamic acid 462 with glycine.
Molecular consequence: missense variant.
Genome position (GRCh38, 1-based): chr16:23,635,161, T>C on the plus strand (A>G on the coding strand, the complement: PALB2 is on the minus strand). VCF-style: chr16-23635161-T-C. GRCh37 (hg19) VCF-style: chr16-23646482-T-C.
Other names: short protein forms E462G.
Identifiers: ClinVar variation 834816 (VCV000834816.13), dbSNP rs1966972534, ClinGen allele CA395131381.